The following is an entry in ClinVar:

ClinVar aggregate classification (germline): Pathogenic. Review status: criteria provided, multiple submitters, no conflicts (2 of 4 stars). 2 submissions from 2 submitters: Pathogenic (2). Last evaluated 2025-06-09.

Conditions:
Pendred syndrome (PDS). Also called: Pendred Syndrome (PDS); DEAFNESS WITH GOITER; THYROID DYSHORMONOGENESIS 2B; THYROID HORMONOGENESIS, GENETIC DEFECT IN, 2B; GOITER-DEAFNESS SYNDROME; HYPOTHYROIDISM, CONGENITAL, DUE TO DYSHORMONOGENESIS, 2B. Identifiers: Orphanet 705, MedGen C0271829, MONDO:0010134, OMIM 274600.

Allele frequency attached by ClinVar (database versions not stated): gnomAD exomes below 0.00001.
gnomAD v4.1: 1 of 1,612,480 alleles (0.000062%); highest among the groups gnomAD compares: Non-Finnish European, 0.000085%; no homozygotes.

Submissions (2):

Natera, Inc.
Classification: Pathogenic for Pendred syndrome. Last evaluated: 2025-06-09. Review status: criteria provided, single submitter. Criteria: Natera Variant Classification Schema (03/2026). Collection method: clinical testing. Allele origin: germline.
Comment: The c.1001+2T>A variant in SLC26A4 is a canonical splice donor site variant predicted to affect pre-mRNA splicing, which may result in an abnormal transcript and altered protein product. This variant is expected to result in nonsense mediated decay, truncation, or a dysfunctional protein product. This variant is rare in the general population with a frequency below the threshold expected for the associated phenotype(s). This variant has been observed in one or more individuals affected with the associated recessive disease, as either homozygous or compound heterozygous with a second variant (PMID: 36568381). Another variant at this same site results in an alteration predicted to cause a similar molecular effect has been observed in individual(s) with the associated phenotype. Given the available evidence, this variant is classified as Pathogenic.

Labcorp Genetics (formerly Invitae), Labcorp
Classification: Pathogenic. Last evaluated: 2024-02-27. Review status: criteria provided, single submitter. Criteria: Invitae Variant Classification Sherloc (09022015). Collection method: clinical testing. Allele origin: germline.
Comment: This sequence change affects a donor splice site in intron 8 of the SLC26A4 gene. It is expected to disrupt RNA splicing. Variants that disrupt the donor or acceptor splice site typically lead to a loss of protein function (PMID: 16199547), and loss-of-function variants in SLC26A4 are known to be pathogenic (PMID: 16283880, 25394566, 26252218, 26445815). This variant is not present in population databases (gnomAD no frequency). Disruption of this splice site has been observed in individuals with hearing loss or Pendred syndrome (PMID: 9618167, 26100058, 26744121). ClinVar contains an entry for this variant (Variation ID: 1074515). Algorithms developed to predict the effect of sequence changes on RNA splicing suggest that this variant may disrupt the consensus splice site. For these reasons, this variant has been classified as Pathogenic.

Literature cited by the submitters: PubMed 36568381 (cited by Natera, Inc.); PubMed 16199547 (cited by Labcorp Genetics (formerly Invitae), Labcorp); PubMed 16283880 (cited by Labcorp Genetics (formerly Invitae), Labcorp); PubMed 25394566 (cited by Labcorp Genetics (formerly Invitae), Labcorp); PubMed 26252218 (cited by Labcorp Genetics (formerly Invitae), Labcorp); PubMed 26445815 (cited by Labcorp Genetics (formerly Invitae), Labcorp); PubMed 9618167 (cited by Labcorp Genetics (formerly Invitae), Labcorp); PubMed 26100058 (cited by Labcorp Genetics (formerly Invitae), Labcorp); PubMed 26744121 (cited by Labcorp Genetics (formerly Invitae), Labcorp).

NM_000441.2(SLC26A4):c.1001+2T>A

Gene: SLC26A4 (solute carrier family 26 member 4; plus strand). Cytogenetic location: 7q22.3.
Variant type: single nucleotide variant.
Coding change: c.1001+2T>A on transcript NM_000441.2 (MANE Select); the canonical splice donor site of the intron after coding-DNA position 1001, T replaced by A.
Molecular consequence: splice donor variant.
Genome position (GRCh38, 1-based): chr7:107,683,539, T>A. VCF-style: chr7-107683539-T-A. GRCh37 (hg19) VCF-style: chr7-107323984-T-A.
Other names: c.1001+2T>A (NM_000441.1).
Identifiers: ClinVar variation 1074515 (VCV001074515.10), dbSNP rs2129314581, ClinGen allele CA368836320.